The following is an entry in ClinVar:

ClinVar aggregate classification (germline): Likely benign. Review status: criteria provided, multiple submitters, no conflicts (2 of 4 stars). 2 submissions from 2 submitters: Likely benign (2). Last evaluated 2026-03-01.

Conditions:
Neuropathy, hereditary sensory, type 2C. Also called: Hereditary sensory and autonomic neuropathy type IIC; KIF1A-Related HSAN2 (HSAN2C). Identifiers: Orphanet 970, MedGen C3280168, MONDO:0013634, OMIM 614213.
Intellectual disability, autosomal dominant 9 (NESCAVS). Also called: NESCAV SYNDROME; KIF1A-Related Neurodevelopmental Disorder. Identifiers: Orphanet 662367, MedGen C5393830, MONDO:0013656, OMIM 614255.
Hereditary spastic paraplegia 30. Identifiers: Orphanet 101010, MedGen C5235139, MONDO:0012476.

Allele frequency attached by ClinVar (database versions not stated): gnomAD 0.00001; TOPMed 0.00001; gnomAD exomes 0.00002.
gnomAD v4.1: 32 of 1,610,278 alleles (0.002%); highest among the groups gnomAD compares: Non-Finnish European, 0.0026%; no homozygotes.

Submissions (2):

CeGaT Center for Human Genetics Tuebingen
Classification: Likely benign. Last evaluated: 2026-03-01. Review status: criteria provided, single submitter. Criteria: CeGaT Center For Human Genetics Tuebingen Variant Classification Criteria Version 2. Collection method: clinical testing. Allele origin: germline. Affected: yes. Observed: 2 variant alleles.
Comment: KIF1A: BP4, BP7

Labcorp Genetics (formerly Invitae), Labcorp
Classification: Likely benign for Hereditary spastic paraplegia 30; Neuropathy, hereditary sensory, type 2C; Intellectual disability, autosomal dominant 9. Last evaluated: 2025-06-11. Review status: criteria provided, single submitter. Criteria: Invitae Variant Classification Sherloc (09022015). Collection method: clinical testing. Allele origin: germline.

NM_001244008.2(KIF1A):c.1668C>T (p.Ser556=)

Gene: KIF1A (kinesin family member 1A; minus strand). Cytogenetic location: 2q37.3.
Variant type: single nucleotide variant.
Coding change: c.1668C>T on transcript NM_001244008.2 (MANE Select); coding-DNA position 1668, C replaced by T.
Protein change: p.Ser556=; no amino-acid change (serine 556 retained).
Molecular consequence: synonymous variant.
Genome position (GRCh38, 1-based): chr2:240,766,931, G>A on the plus strand (C>T on the coding strand, the complement: KIF1A is on the minus strand). VCF-style: chr2-240766931-G-A. GRCh37 (hg19) VCF-style: chr2-241706348-G-A.
Other names: c.1668C>T, p.Ser556= (NM_001320705.2, NM_001330289.2, NM_001379638.1); c.1743C>T, p.Ser581= (NM_001330290.2, NM_001379631.1, NM_001379634.1 and 2 more transcripts); c.1641C>T, p.Ser547= (NM_001379632.1, NM_001379633.1, NM_001379636.1 and 10 more transcripts); c.1716C>T, p.Ser572= (NM_001379637.1, NM_001379648.1).
Identifiers: ClinVar variation 733592 (VCV000733592.17), dbSNP rs1197450041, ClinGen allele CA432037112.
Genomic context (GRCh38, chr2:240,766,931, plus strand): 5'-GCACAGGGGCATGGGTGCGGGTAGGGACGGTAGGGTGGTGATACCTTCGCTGCCTCCCCT[G>A]GAGTCGCTCCGGAAGACGCAGTGCTCCTCCTTGATGAAGTGCCCACTCAGAACAATGTCC-3'
Protein context (NP_001230937.1, residues 546-566): KEEHCVFRSD[Ser556=]RGGSEAVVTL